The following is an entry in ClinVar:

NM_177438.3(DICER1):c.5096-17A>G

Gene: DICER1 (dicer 1, ribonuclease III; minus strand). Cytogenetic location: 14q32.13.
Variant type: single nucleotide variant.
Coding change: c.5096-17A>G on transcript NM_177438.3 (MANE Select); 17 bases into the intron before coding-DNA position 5096, A replaced by G.
Molecular consequence: intron variant.
Genome position (GRCh38, 1-based): chr14:95,094,173, T>C on the plus strand (A>G on the coding strand, the complement: DICER1 is on the minus strand). VCF-style: chr14-95094173-T-C. GRCh37 (hg19) VCF-style: chr14-95560510-T-C.
Other names: c.5096-17A>G (NM_001291628.2, NM_030621.4, NM_001395677.1 and 8 more transcripts); c.4691-17A>G (NM_001395690.1, NM_001395687.1, NM_001395689.1 and 1 more transcripts); c.4814-17A>G (NM_001395686.1); c.4529-17A>G (NM_001395691.1); c.3413-17A>G (NM_001395697.1).
Identifiers: ClinVar variation 4875826 (VCV004875826.1).
Genomic context (GRCh38, chr14:95,094,173, plus strand): 5'-GTCCAAAATCGCATCTCCCAGGAATTCTAAGCGCTGGTAACAATCTGAGGGGATCCGAAG[T>C]GGAACCGTAAGCTTGTGCAGAAGCATTTACACTATCCCCACATAGCAACTGATCCCCAAA-3'

ClinVar aggregate classification (germline): Likely benign (1 of 4 stars; one submission).

Conditions:
DICER1-related tumor predisposition. Also called: DICER1-related pleuropulmonary blastoma cancer predisposition syndrome; DICER1 syndrome. Identifiers: Orphanet 284343, MedGen C3839822, MONDO:0100216.

Submission:

Myriad Genetics, Inc.
Classification: Likely benign for DICER1-related tumor predisposition. Last evaluated: 2026-04-14. Review status: criteria provided, single submitter. Criteria: Myriad Autosomal Dominant, Autosomal Recessive and X-Linked Classification Criteria (2023). Collection method: clinical testing. Allele origin: unknown.
Comment: This variant is considered likely benign. This variant is intronic and is not expected to impact mRNA splicing.